The following is an entry in ClinVar:

NM_001105659.2(LRRIQ3):c.160G>A (p.Val54Ile)

Gene: LRRIQ3 (leucine rich repeats and IQ motif containing 3; minus strand). Cytogenetic location: 1p31.1.
Variant type: single nucleotide variant.
Coding change: c.160G>A on transcript NM_001105659.2 (MANE Select); coding-DNA position 160, G replaced by A.
Protein change: p.Val54Ile; replaces valine 54 with isoleucine.
Molecular consequence: missense variant.
Genome position (GRCh38, 1-based): chr1:74,183,525, C>T on the plus strand (G>A on the coding strand, the complement: LRRIQ3 is on the minus strand). VCF-style: chr1-74183525-C-T. GRCh37 (hg19) VCF-style: chr1-74649209-C-T.
Other names: c.160G>A, p.Val54Ile (NM_001322315.2); short protein forms V54I.
Identifiers: ClinVar variation 3034775 (VCV003034775.2), dbSNP rs142801811, ClinGen allele CA908165.

ClinVar aggregate classification (germline): Likely benign (0 of 4 stars; one submission).

Conditions:
LRRIQ3-related disorder. Also called: LRRIQ3-related condition.

Allele frequency attached by ClinVar (database versions not stated): gnomAD exomes 0.00007; ExAC 0.00025; 1000 Genomes Project 0.00060; 1000 Genomes Project 30x 0.00062; ESP Exome Variant Server 0.00085; gnomAD 0.00097; TOPMed 0.00106.
gnomAD v4.1: 252 of 1,611,752 alleles (0.016%); highest among the groups gnomAD compares: African/African-American, 0.32%; no homozygotes.

Submission:

PreventionGenetics, part of Exact Sciences
Classification: Likely benign for LRRIQ3-related condition. Last evaluated: 2022-03-15. Review status: no assertion criteria provided. Collection method: clinical testing. Allele origin: germline.
Comment: This variant is classified as likely benign based on ACMG/AMP sequence variant interpretation guidelines (Richards et al. 2015 PMID: 25741868, with internal and published modifications).